The following is an entry in ClinVar:

ClinVar aggregate classification (germline): Uncertain significance (1 of 4 stars; one submission).

Conditions:
Hereditary cancer-predisposing syndrome. Also called: Neoplastic Syndromes, Hereditary; Tumor predisposition; Hereditary Cancer Syndrome; Hereditary neoplastic syndrome. Identifiers: Orphanet 140162, MedGen C0027672, MeSH D009386, MONDO:0015356.

Submission:

Ambry Genetics
Classification: Uncertain significance for Hereditary cancer-predisposing syndrome. Last evaluated: 2020-06-15. Review status: criteria provided, single submitter. Criteria: Ambry Variant Classification Scheme 2023. Collection method: clinical testing. Allele origin: germline.
Comment: The p.I548T variant (also known as c.1643T>C), located in coding exon 10 of the PDGFRA gene, results from a T to C substitution at nucleotide position 1643. The isoleucine at codon 548 is replaced by threonine, an amino acid with similar properties. This amino acid position is well conserved in available vertebrate species. In addition, this alteration is predicted to be deleterious by in silico analysis. Since supporting evidence is limited at this time, the clinical significance of this alteration remains unclear.

NM_006206.6(PDGFRA):c.1643T>C (p.Ile548Thr)

Gene: PDGFRA (platelet derived growth factor receptor alpha; plus strand). Cytogenetic location: 4q12.
Variant type: single nucleotide variant.
Coding change: c.1643T>C on transcript NM_006206.6 (MANE Select); coding-DNA position 1643, T replaced by C.
Protein change: p.Ile548Thr; replaces isoleucine 548 with threonine.
Molecular consequence: missense variant.
Genome position (GRCh38, 1-based): chr4:54,274,615, T>C. VCF-style: chr4-54274615-T-C. GRCh37 (hg19) VCF-style: chr4-55140782-T-C.
Other names: c.1643T>C, p.Ile548Thr (NM_001347827.2, NM_001347829.2); c.1718T>C, p.Ile573Thr (NM_001347828.2); c.1682T>C, p.Ile561Thr (NM_001347830.2); short protein forms I561T, I548T, I573T.
Identifiers: ClinVar variation 1777097 (VCV001777097.2), dbSNP rs2110296986, ClinGen allele CA356892980.